The following is an entry in ClinVar:

NM_001017420.3(ESCO2):c.506G>A (p.Arg169Gln)

Gene: ESCO2 (establishment of sister chromatid cohesion N-acetyltransferase 2; plus strand). Cytogenetic location: 8p21.1.
Variant type: single nucleotide variant.
Coding change: c.506G>A on transcript NM_001017420.3 (MANE Select); coding-DNA position 506, G replaced by A.
Protein change: p.Arg169Gln; replaces arginine 169 with glutamine.
Molecular consequence: missense variant.
Genome position (GRCh38, 1-based): chr8:27,776,814, G>A. VCF-style: chr8-27776814-G-A. GRCh37 (hg19) VCF-style: chr8-27634331-G-A.
Other names: short protein forms R169Q.
Identifiers: ClinVar variation 593768 (VCV000593768.18), dbSNP rs1052492, ClinGen allele CA4692064.

ClinVar aggregate classification (germline): Benign/Likely benign. Review status: criteria provided, multiple submitters, no conflicts (2 of 4 stars). 4 submissions from 4 submitters: Benign (1); Likely benign (2). 1 of the submissions does not count toward it. Last evaluated 2026-01-26.

Conditions:
ESCO2-related disorder. Also called: ESCO2-related condition.

Allele frequency attached by ClinVar (database versions not stated): gnomAD exomes 0.00051; ExAC 0.00060; 1000 Genomes Project 0.00160; 1000 Genomes Project 30x 0.00172; gnomAD 0.00217 and 0.00232; ESP Exome Variant Server 0.00231; TOPMed 0.00234.

Submissions (5):

Labcorp Genetics (formerly Invitae), Labcorp
Classification: Benign. Last evaluated: 2026-01-26. Review status: criteria provided, single submitter. Criteria: Invitae Variant Classification Sherloc (09022015). Collection method: clinical testing. Allele origin: germline.

Blueprint Genetics
Classification: Likely benign. Last evaluated: 2024-11-14. Review status: criteria provided, single submitter. Criteria: ACMG Guidelines, 2015. Collection method: clinical testing. Allele origin: germline.

Eurofins Ntd Llc (ga)
Classification: Likely benign. Last evaluated: 2017-08-24. Review status: criteria provided, single submitter. Criteria: EGL Classification Definitions 2015. Collection method: clinical testing. Allele origin: germline. Observed: 1 variant allele, 1 homozygote.

PreventionGenetics, part of Exact Sciences
Classification: Benign for ESCO2-related condition. Last evaluated: 2019-08-13. Review status: no assertion criteria provided. Collection method: clinical testing. Allele origin: germline. Not counted in ClinVar's aggregate classification.
Comment: This variant is classified as benign based on ACMG/AMP sequence variant interpretation guidelines (Richards et al. 2015 PMID: 25741868, with internal and published modifications).

Dr. Peter K. Rogan Lab, Western University
No classification provided (evidence only). Condition: Uterine corpus endometrial carcinoma. Review status: no classification provided. Collection method: in vitro. Allele origin: not applicable. Functional consequence: retained intron. Not counted in ClinVar's aggregate classification.